The following is an entry in ClinVar:

NM_005411.5(SFTPA1):c.120C>A (p.Gly40=)

Gene: SFTPA1 (surfactant protein A1; plus strand). Cytogenetic location: 10q22.3.
Variant type: single nucleotide variant.
Coding change: c.120C>A on transcript NM_005411.5 (MANE Select); coding-DNA position 120, C replaced by A.
Protein change: p.Gly40=; no amino-acid change (glycine 40 retained).
Molecular consequence: synonymous variant. On other transcripts: intron variant (2).
Genome position (GRCh38, 1-based): chr10:79,611,945, C>A. VCF-style: chr10-79611945-C-A. GRCh37 (hg19) VCF-style: chr10-81371701-C-A.
Other names: c.165C>A, p.Gly55= (NM_001093770.3); c.120C>A, p.Gly40= (NM_001164644.2, NM_001164647.1); c.85+35C>A (NM_001164646.2); c.130+35C>A (NM_001164645.2).
Identifiers: ClinVar variation 3030714 (VCV003030714.2), dbSNP rs746409766, ClinGen allele CA470413516.

ClinVar aggregate classification (germline): Likely benign (0 of 4 stars; one submission).

Conditions:
SFTPA1-related disorder. Also called: SFTPA1-related condition.

Submission:

PreventionGenetics, part of Exact Sciences
Classification: Likely benign for SFTPA1-related condition. Last evaluated: 2020-11-13. Review status: no assertion criteria provided. Collection method: clinical testing. Allele origin: germline.
Comment: This variant is classified as likely benign based on ACMG/AMP sequence variant interpretation guidelines (Richards et al. 2015 PMID: 25741868, with internal and published modifications).